The following is an entry in ClinVar:

NM_004733.4(SLC33A1):c.213A>C (p.Glu71Asp)

Gene: SLC33A1 (solute carrier family 33 member 1; minus strand). Cytogenetic location: 3q25.31.
Variant type: single nucleotide variant.
Coding change: c.213A>C on transcript NM_004733.4 (MANE Select); coding-DNA position 213, A replaced by C.
Protein change: p.Glu71Asp; replaces glutamic acid 71 with aspartic acid.
Molecular consequence: missense variant.
Genome position (GRCh38, 1-based): chr3:155,853,785, T>G on the plus strand (A>C on the coding strand, the complement: SLC33A1 is on the minus strand). VCF-style: chr3-155853785-T-G. GRCh37 (hg19) VCF-style: chr3-155571574-T-G.
Other names: c.213A>C, p.Glu71Asp (NM_001190992.2, NM_001363883.1); short protein forms E71D.
Identifiers: ClinVar variation 2041101 (VCV002041101.4), dbSNP rs2473019206, ClinGen allele CA355144115.

ClinVar aggregate classification (germline): Uncertain significance (1 of 4 stars; one submission).

Conditions:
Spastic paraplegia. Identifiers: MedGen C0037772, HP:0001258.

Submission:

Labcorp Genetics (formerly Invitae), Labcorp
Classification: Uncertain significance for Spastic paraplegia. Last evaluated: 2022-02-11. Review status: criteria provided, single submitter. Criteria: Invitae Variant Classification Sherloc (09022015). Collection method: clinical testing. Allele origin: germline.
Comment: This sequence change replaces glutamic acid, which is acidic and polar, with aspartic acid, which is acidic and polar, at codon 71 of the SLC33A1 protein (p.Glu71Asp). This variant is not present in population databases (gnomAD no frequency). This variant has not been reported in the literature in individuals affected with SLC33A1-related conditions. Algorithms developed to predict the effect of missense changes on protein structure and function (SIFT, PolyPhen-2, Align-GVGD) all suggest that this variant is likely to be tolerated. In summary, the available evidence is currently insufficient to determine the role of this variant in disease. Therefore, it has been classified as a Variant of Uncertain Significance.